The following is an entry in ClinVar:

NM_006019.4(TCIRG1):c.50T>C (p.Leu17Pro)

Gene: TCIRG1 (T cell immune regulator 1, ATPase H+ transporting V0 subunit a3; plus strand). Cytogenetic location: 11q13.2.
Variant type: single nucleotide variant.
Coding change: c.50T>C on transcript NM_006019.4 (MANE Select); coding-DNA position 50, T replaced by C.
Protein change: p.Leu17Pro; replaces leucine 17 with proline.
Molecular consequence: missense variant. On other transcripts: 5 prime UTR variant (1).
Genome position (GRCh38, 1-based): chr11:68,041,321, T>C. VCF-style: chr11-68041321-T-C. GRCh37 (hg19) VCF-style: chr11-67808788-T-C.
Other names: c.-1200T>C (NM_001351059.2); short protein forms L17P.
Identifiers: ClinVar variation 1466731 (VCV001466731.8), dbSNP rs2134430602, ClinGen allele CA381572764.

ClinVar aggregate classification (germline): Uncertain significance (1 of 4 stars; one submission).

Submission:

Labcorp Genetics (formerly Invitae), Labcorp
Classification: Uncertain significance. Last evaluated: 2022-07-18. Review status: criteria provided, single submitter. Criteria: Invitae Variant Classification Sherloc (09022015). Collection method: clinical testing. Allele origin: germline.
Comment: Algorithms developed to predict the effect of missense changes on protein structure and function are either unavailable or do not agree on the potential impact of this missense change (SIFT: "Deleterious"; PolyPhen-2: "Probably Damaging"; Align-GVGD: "Class C0"). ClinVar contains an entry for this variant (Variation ID: 1466731). This variant has not been reported in the literature in individuals affected with TCIRG1-related conditions. This variant is not present in population databases (gnomAD no frequency). This sequence change replaces leucine, which is neutral and non-polar, with proline, which is neutral and non-polar, at codon 17 of the TCIRG1 protein (p.Leu17Pro). In summary, the available evidence is currently insufficient to determine the role of this variant in disease. Therefore, it has been classified as a Variant of Uncertain Significance.